The following is an entry in ClinVar:

ClinVar aggregate classification (germline): Uncertain significance. Review status: criteria provided, multiple submitters, no conflicts (2 of 4 stars). 2 submissions from 2 submitters: Uncertain significance (2). Last evaluated 2022-04-13.

Conditions:
Desbuquois dysplasia 1 (DBQD1). Also called: MICROMELIC DWARFISM WITH VERTEBRAL AND METAPHYSEAL ABNORMALITIES AND ADVANCED CARPOTARSAL OSSIFICATION; DESBUQUOIS DYSPLASIA 1, KIM VARIANT. Identifiers: Orphanet 1425, MedGen C4012146, MONDO:0009629, OMIM 251450.
Inborn genetic diseases. Identifiers: MedGen C0950123, MeSH D030342.

Submissions (2):

Labcorp Genetics (formerly Invitae), Labcorp
Classification: Uncertain significance for Desbuquois dysplasia 1. Last evaluated: 2022-04-13. Review status: criteria provided, single submitter. Criteria: Invitae Variant Classification Sherloc (09022015). Collection method: clinical testing. Allele origin: germline.
Comment: In summary, the available evidence is currently insufficient to determine the role of this variant in disease. Therefore, it has been classified as a Variant of Uncertain Significance. Algorithms developed to predict the effect of missense changes on protein structure and function output the following: SIFT: "Tolerated"; PolyPhen-2: "Not Available"; Align-GVGD: "Class C0". The glutamine amino acid residue is found in multiple mammalian species, which suggests that this missense change does not adversely affect protein function. This variant has not been reported in the literature in individuals affected with XYLT1-related conditions. The frequency data for this variant in the population databases is considered unreliable, as metrics indicate insufficient coverage at this position in the gnomAD database. This sequence change replaces proline, which is neutral and non-polar, with glutamine, which is neutral and polar, at codon 59 of the XYLT1 protein (p.Pro59Gln).

Ambry Genetics
Classification: Uncertain significance for Inborn genetic diseases. Last evaluated: 2021-11-30. Review status: criteria provided, single submitter. Criteria: Ambry Variant Classification Scheme 2023. Collection method: clinical testing. Allele origin: germline.

NM_022166.4(XYLT1):c.176C>A (p.Pro59Gln)

Gene: XYLT1 (xylosyltransferase 1; minus strand). Cytogenetic location: 16p12.3.
Variant type: single nucleotide variant.
Coding change: c.176C>A on transcript NM_022166.4 (MANE Select); coding-DNA position 176, C replaced by A.
Protein change: p.Pro59Gln; replaces proline 59 with glutamine.
Molecular consequence: missense variant.
Genome position (GRCh38, 1-based): chr16:17,470,621, G>T on the plus strand (C>A on the coding strand, the complement: XYLT1 is on the minus strand). VCF-style: chr16-17470621-G-T. GRCh37 (hg19) VCF-style: chr16-17564478-G-T.
Other names: short protein forms P59Q.
Identifiers: ClinVar variation 2066073 (VCV002066073.4), dbSNP rs1364685291, ClinGen allele CA395220242.